The following is an entry in ClinVar:

NM_001256071.3(RNF213):c.12042C>T (p.His4014=)

Genes: RNF213 (ring finger protein 213; plus strand), RNF213-AS1 (RNF213 antisense RNA 1; minus strand). Cytogenetic location: 17q25.3.
Variant type: single nucleotide variant.
Coding change: c.12042C>T on transcript NM_001256071.3 (MANE Select); coding-DNA position 12042, C replaced by T.
Protein change: p.His4014=; no amino-acid change (histidine 4014 retained).
Molecular consequence: synonymous variant.
Genome position (GRCh38, 1-based): chr17:80,368,030, C>T. VCF-style: chr17-80368030-C-T. GRCh37 (hg19) VCF-style: chr17-78341830-C-T.
Other names: p.His4014=.
Identifiers: ClinVar variation 737410 (VCV000737410.36), dbSNP rs145210854, ClinGen allele CA8822063.

ClinVar aggregate classification (germline): Benign/Likely benign. Review status: criteria provided, multiple submitters, no conflicts (2 of 4 stars). 5 submissions from 5 submitters: Benign (2); Likely benign (2). 1 of the submissions does not count toward it. Last evaluated 2025-12-17.

Conditions:
RNF213-related disorder. Also called: RNF213-related condition.

Allele frequency attached by ClinVar (database versions not stated): gnomAD exomes 0.00024 and 0.00064; ExAC 0.00074; gnomAD 0.00224 and 0.00239; TOPMed 0.00266; 1000 Genomes Project 30x 0.00297; 1000 Genomes Project 0.00319; ESP Exome Variant Server 0.00338.
gnomAD v4.1: 713 of 1,614,268 alleles (0.044%); highest among the groups gnomAD compares: African/African-American, 0.8%; 4 homozygotes.

Submissions (5):

Labcorp Genetics (formerly Invitae), Labcorp
Classification: Benign. Last evaluated: 2025-12-17. Review status: criteria provided, single submitter. Criteria: Invitae Variant Classification Sherloc (09022015). Collection method: clinical testing. Allele origin: germline.

Blueprint Genetics
Classification: Likely benign. Last evaluated: 2024-10-02. Review status: criteria provided, single submitter. Criteria: ACMG Guidelines, 2015. Collection method: clinical testing. Allele origin: germline.

Mayo Clinic Laboratories, Mayo Clinic
Classification: Benign. Last evaluated: 2024-02-22. Review status: criteria provided, single submitter. Criteria: ACMG Guidelines, 2015. Collection method: clinical testing. Allele origin: germline. Observed: 2 variant alleles.
Comment: BS1, BS2, BP4, BP7

CeGaT Center for Human Genetics Tuebingen
Classification: Likely benign. Last evaluated: 2022-05-01. Review status: criteria provided, single submitter. Criteria: CeGaT Center For Human Genetics Tuebingen Variant Classification Criteria Version 2. Collection method: clinical testing. Allele origin: germline. Affected: yes. Observed: 1 variant allele.
Comment: RNF213: BP4, BP7

PreventionGenetics, part of Exact Sciences
Classification: Likely benign for RNF213-related condition. Last evaluated: 2019-09-10. Review status: no assertion criteria provided. Collection method: clinical testing. Allele origin: germline. Not counted in ClinVar's aggregate classification.
Comment: This variant is classified as likely benign based on ACMG/AMP sequence variant interpretation guidelines (Richards et al. 2015 PMID: 25741868, with internal and published modifications).